The following is an entry in ClinVar:

NM_152732.5(RSPH9):c.299A>G (p.Lys100Arg)

Gene: RSPH9 (radial spoke head component 9; plus strand). Cytogenetic location: 6p21.1.
Variant type: single nucleotide variant.
Coding change: c.299A>G on transcript NM_152732.5 (MANE Select); coding-DNA position 299, A replaced by G.
Protein change: p.Lys100Arg; replaces lysine 100 with arginine.
Molecular consequence: missense variant. On other transcripts: non-coding transcript variant (1).
Genome position (GRCh38, 1-based): chr6:43,650,446, A>G. VCF-style: chr6-43650446-A-G. GRCh37 (hg19) VCF-style: chr6-43618183-A-G.
Other names: c.299A>G, p.Lys100Arg (NM_001193341.2, NM_001424119.1, NM_001424120.1 and 1 more transcripts); short protein forms K100R.
Identifiers: ClinVar variation 4157472 (VCV004157472.2).

ClinVar aggregate classification (germline): Uncertain significance. Review status: criteria provided, multiple submitters, no conflicts (2 of 4 stars). 2 submissions from 2 submitters: Uncertain significance (2). Last evaluated 2025-11-16.

Conditions:
Primary ciliary dyskinesia. Also called: Ciliary dyskinesia. Identifiers: Orphanet 244, MedGen C0008780, MONDO:0016575, HP:0012265.

gnomAD v4.1: 3 of 1,614,064 alleles (0.00019%); highest among the groups gnomAD compares: Non-Finnish European, 0.00025%; no homozygotes.

Submissions (2):

Labcorp Genetics (formerly Invitae), Labcorp
Classification: Uncertain significance for Primary ciliary dyskinesia. Last evaluated: 2025-11-16. Review status: criteria provided, single submitter. Criteria: Invitae Variant Classification Sherloc (09022015). Collection method: clinical testing. Allele origin: germline.
Comment: This sequence change replaces lysine, which is basic and polar, with arginine, which is basic and polar, at codon 100 of the RSPH9 protein (p.Lys100Arg). This variant is present in population databases (no rsID available, gnomAD 0.0009%). This variant has not been reported in the literature in individuals affected with RSPH9-related conditions. ClinVar contains an entry for this variant (Variation ID: 4157472). An algorithm developed to predict the effect of missense changes on protein structure and function (PolyPhen-2) suggests that this variant is likely to be tolerated. In summary, the available evidence is currently insufficient to determine the role of this variant in disease. Therefore, it has been classified as a Variant of Uncertain Significance.

Ambry Genetics
Classification: Uncertain significance for Primary ciliary dyskinesia. Last evaluated: 2025-08-04. Review status: criteria provided, single submitter. Criteria: Ambry Variant Classification Scheme 2023. Collection method: clinical testing. Allele origin: germline.